The following is an entry in ClinVar:

ClinVar aggregate classification (germline): risk factor (1 of 4 stars; one submission).

Conditions:
Hyalinosis, Segmental Glomerular. Identifiers: MedGen C0086432, MeSH D005923.

Submission:

Laboratory for Molecular Medicine, Mass General Brigham Personalized Medicine
Classification: risk factor for Hyalinosis, Segmental Glomerular. Last evaluated: 2020-03-04. Review status: criteria provided, single submitter. Criteria: LMM Criteria. Collection method: clinical testing. Allele origin: germline. Observed: 1 variant allele.
Comment: APOL1 c.1164_1169del; c.[1024A>G;1152T>G] (p.[Ser342Gly;Ile384Met];[p.Asn388_Tyr389del]), traditionally referred to as G1/G2, has been associated with increased risk for multiple renal diseases in African Americans, particularly focal segmental glomerulosclerosis (FSGS), as well as an increased risk for end-stage kidney disease (ESKD). Both variants are common in individuals of African ancestry (G1: 23%, rs73885319 and rs60910145; G2: 14%, rs71785313 Genome Aggregation Database (gnomAD)) and are present in ClinVar (ID: 6080 and 6081). Small case-control studies have reported odds ratio of 7.7-44.9 for kidney disease (OR=7.7 [95% CI 1.5-39.7] Sumaili 2018 PMID: 30976395, OR=16.7 [95% CI 8.5-34] for FSGS and OR=44.9 [95% CI 12.9-192.1] for HIVAN (Kopp 2011 PMID: 21997394)). In vitro and in vivo studies provide some evidence that these alleles impact protein function (Beckerman 2017 PMID: 28218918, Hayek 2017 PMID: 28650456). In summary, this variant is an established risk allele for chronic kidney disease in compound heterozygous state.

Literature cited by the submitters: PubMed 30976395.

NM_003661.3:c.[1024A>G;1152T>G];[1164_1169delTTATAA]

Variant type: CompoundHeterozygote.
Identifiers: ClinVar variation 1120175 (VCV001120175.5).